The following is an entry in ClinVar:

NM_024589.3(ROGDI):c.607G>C (p.Val203Leu)

Gene: ROGDI (rogdi atypical leucine zipper; minus strand). Cytogenetic location: 16p13.3.
Variant type: single nucleotide variant.
Coding change: c.607G>C on transcript NM_024589.3 (MANE Select); coding-DNA position 607, G replaced by C.
Protein change: p.Val203Leu; replaces valine 203 with leucine.
Molecular consequence: missense variant. On other transcripts: non-coding transcript variant (1).
Genome position (GRCh38, 1-based): chr16:4,798,109, C>G on the plus strand (G>C on the coding strand, the complement: ROGDI is on the minus strand). VCF-style: chr16-4798109-C-G. GRCh37 (hg19) VCF-style: chr16-4848110-C-G.
Other names: short protein forms V203L.
Identifiers: ClinVar variation 1715401 (VCV001715401.5), dbSNP rs1231695509, ClinGen allele CA394650181.
Genomic context (GRCh38, chr16:4,798,109, plus strand): 5'-CCGGGCAGGGGTCCCTCCTCACCTTGGTGGAGTTGGGCTGCAGGGCATGCAGCTGGTACA[C>G]CGTGAGGCAGAGCTTGTTGAGGTTGATGTAGACGTTGACCAGCAGGTCGGACGGCAGGGC-3'
Protein context (NP_078865.1, residues 193-213): YINLNKLCLT[Val203Leu]YQLHALQPNS

ClinVar aggregate classification (germline): Uncertain significance (1 of 4 stars; one submission).

Conditions:
Amelocerebrohypohidrotic syndrome (KTZS). Also called: Kohlschutter's syndrome; EPILEPSY AND YELLOW TEETH; EPILEPSY, DEMENTIA, AND AMELOGENESIS IMPERFECTA; KOHLSCHUTTER SYNDROME. Identifiers: Orphanet 1946, MedGen C0406740, MONDO:0009185, OMIM 226750.

Submission:

Labcorp Genetics (formerly Invitae), Labcorp
Classification: Uncertain significance for Amelocerebrohypohidrotic syndrome. Last evaluated: 2022-08-06. Review status: criteria provided, single submitter. Criteria: Invitae Variant Classification Sherloc (09022015). Collection method: clinical testing. Allele origin: germline.
Comment: In summary, the available evidence is currently insufficient to determine the role of this variant in disease. Therefore, it has been classified as a Variant of Uncertain Significance. Algorithms developed to predict the effect of missense changes on protein structure and function (SIFT, PolyPhen-2, Align-GVGD) all suggest that this variant is likely to be tolerated. This variant has not been reported in the literature in individuals affected with ROGDI-related conditions. This variant is not present in population databases (gnomAD no frequency). This sequence change replaces valine, which is neutral and non-polar, with leucine, which is neutral and non-polar, at codon 203 of the ROGDI protein (p.Val203Leu).